The following is an entry in ClinVar:

ClinVar aggregate classification (germline): Uncertain significance. Review status: criteria provided, multiple submitters, no conflicts (2 of 4 stars). 3 submissions from 3 submitters: Uncertain significance (3). Last evaluated 2025-02-05.

Conditions:
Congenital myotonia, autosomal dominant form (THD). Also called: THOMSEN DISEASE; Myotonia congenita autosomal dominant. Identifiers: Orphanet 614, MedGen C2936781, MONDO:0008055, OMIM 160800.
Congenital myotonia, autosomal recessive form. Also called: BECKER DISEASE; Becker Generalized Myotonia; myotonia congenita, autosomal recessive. Identifiers: Orphanet 614, MedGen C0751360, MONDO:0009715, OMIM 255700.

Allele frequency attached by ClinVar (database versions not stated): ExAC 0.00003; gnomAD exomes 0.00003; TOPMed 0.00003; gnomAD 0.00004 and 0.00005; 1000 Genomes Project 30x 0.00016; 1000 Genomes Project 0.00020.

Submissions (3):

GeneDx
Classification: Uncertain significance. Last evaluated: 2025-02-05. Review status: criteria provided, single submitter. Criteria: GeneDx Variant Classification Process June 2021. Collection method: clinical testing. Allele origin: germline. Affected: yes.
Comment: Reported previously in individuals with non-dystrophic myotonia; one patient also had periodic paralysis and harbored a variant in a second gene (PMID: 27653901, 32670189); Reported previously in a patient memory loss, diffuse brain atrophy, cognitive impairment, akinesia, and Lewy body dementia (PMID: 33562224); In silico analysis indicates that this missense variant does not alter protein structure/function; This variant is associated with the following publications: (PMID: 32670189, 27653901, 32660787, 33562224)

Labcorp Genetics (formerly Invitae), Labcorp
Classification: Uncertain significance for Congenital myotonia, autosomal recessive form; Congenital myotonia, autosomal dominant form. Last evaluated: 2024-10-24. Review status: criteria provided, single submitter. Criteria: Invitae Variant Classification Sherloc (09022015). Collection method: clinical testing. Allele origin: germline.
Comment: This sequence change replaces glutamic acid, which is acidic and polar, with lysine, which is basic and polar, at codon 950 of the CLCN1 protein (p.Glu950Lys). This variant is present in population databases (rs201506176, gnomAD 0.02%). This missense change has been observed in individual(s) with clinical features of myotonia congenita (PMID: 27653901, 32670189). ClinVar contains an entry for this variant (Variation ID: 950246). Invitae Evidence Modeling of protein sequence and biophysical properties (such as structural, functional, and spatial information, amino acid conservation, physicochemical variation, residue mobility, and thermodynamic stability) has been performed for this missense variant. However, the output from this modeling did not meet the statistical confidence thresholds required to predict the impact of this variant on CLCN1 protein function. In summary, the available evidence is currently insufficient to determine the role of this variant in disease. Therefore, it has been classified as a Variant of Uncertain Significance.

Revvity Omics, Revvity
Classification: Uncertain significance. Last evaluated: 2020-11-23. Review status: criteria provided, single submitter. Criteria: ACMG Guidelines, 2015. Collection method: clinical testing. Allele origin: germline.

Literature cited by the submitters: PubMed 27653901 (cited by Labcorp Genetics (formerly Invitae), Labcorp); PubMed 32670189 (cited by Labcorp Genetics (formerly Invitae), Labcorp).

NM_000083.3(CLCN1):c.2848G>A (p.Glu950Lys)

Gene: CLCN1 (chloride voltage-gated channel 1; plus strand). Cytogenetic location: 7q34.
Variant type: single nucleotide variant.
Coding change: c.2848G>A on transcript NM_000083.3 (MANE Select); coding-DNA position 2848, G replaced by A.
Protein change: p.Glu950Lys; replaces glutamic acid 950 with lysine.
Molecular consequence: missense variant. On other transcripts: non-coding transcript variant (1).
Genome position (GRCh38, 1-based): chr7:143,351,846, G>A. VCF-style: chr7-143351846-G-A. GRCh37 (hg19) VCF-style: chr7-143048939-G-A.
Other names: short protein forms E950K.
Identifiers: ClinVar variation 950246 (VCV000950246.11), dbSNP rs201506176, ClinGen allele CA4537800.